The following is an entry in ClinVar:

ClinVar aggregate classification (germline): Uncertain significance. Review status: criteria provided, multiple submitters, no conflicts (2 of 4 stars). 2 submissions from 2 submitters: Uncertain significance (2). Last evaluated 2025-06-10.

Conditions:
Emery-Dreifuss muscular dystrophy 5, autosomal dominant (EDMD5). Also called: EMERY-DREIFUSS MUSCULAR DYSTROPHY 5. Identifiers: Orphanet 261, MedGen C2751805, MONDO:0013072, OMIM 612999.

Allele frequency attached by ClinVar (database versions not stated): gnomAD exomes 0.00002; ExAC 0.00003; gnomAD 0.00005 and 0.00006; TOPMed 0.00006; ESP Exome Variant Server 0.00008.
gnomAD v4.1: 17 of 1,613,796 alleles (0.0011%); highest among the groups gnomAD compares: African/African-American, 0.016%; no homozygotes.

Submissions (2):

Labcorp Genetics (formerly Invitae), Labcorp
Classification: Uncertain significance for Emery-Dreifuss muscular dystrophy 5, autosomal dominant. Last evaluated: 2025-06-10. Review status: criteria provided, single submitter. Criteria: Invitae Variant Classification Sherloc (09022015). Collection method: clinical testing. Allele origin: germline.
Comment: This sequence change replaces serine, which is neutral and polar, with leucine, which is neutral and non-polar, at codon 4136 of the SYNE2 protein (p.Ser4136Leu). This variant is present in population databases (rs148970735, gnomAD 0.02%). This variant has not been reported in the literature in individuals affected with SYNE2-related conditions. ClinVar contains an entry for this variant (Variation ID: 1036043). An algorithm developed to predict the effect of missense changes on protein structure and function (PolyPhen-2) suggests that this variant is likely to be disruptive. In summary, the available evidence is currently insufficient to determine the role of this variant in disease. Therefore, it has been classified as a Variant of Uncertain Significance.

Revvity Omics, Revvity
Classification: Uncertain significance for Emery-Dreifuss muscular dystrophy 5, autosomal dominant. Last evaluated: 2019-09-20. Review status: criteria provided, single submitter. Criteria: ACMG Guidelines, 2015. Collection method: clinical testing. Allele origin: germline.

NM_182914.3(SYNE2):c.12407C>T (p.Ser4136Leu)

Gene: SYNE2 (spectrin repeat containing nuclear envelope protein 2; plus strand). Cytogenetic location: 14q23.2.
Variant type: single nucleotide variant.
Coding change: c.12407C>T on transcript NM_182914.3 (MANE Select); coding-DNA position 12407, C replaced by T.
Protein change: p.Ser4136Leu; replaces serine 4136 with leucine.
Molecular consequence: missense variant.
Genome position (GRCh38, 1-based): chr14:64,101,957, C>T. VCF-style: chr14-64101957-C-T. GRCh37 (hg19) VCF-style: chr14-64568675-C-T.
Other names: c.12407C>T (NM_182914.2); c.12407C>T, p.Ser4136Leu (NM_015180.6); short protein forms S4136L.
Identifiers: ClinVar variation 1036043 (VCV001036043.11), dbSNP rs148970735, ClinGen allele CA7222145.